The following is an entry in ClinVar:

ClinVar aggregate classification (germline): Uncertain significance (1 of 4 stars; one submission).

Conditions:
POLD1-related polyposis and colorectal cancer syndrome (CRCS10). Also called: COLORECTAL CANCER, SUSCEPTIBILITY TO, ON CHROMOSOME 19q; Colorectal cancer 10; Colorectal cancer, susceptibility to, 10. Identifiers: Orphanet 220460, MedGen C2675481, MONDO:0012953, OMIM 612591.

Submission:

MGZ Medical Genetics Center
Classification: Uncertain significance for POLD1-related polyposis and colorectal cancer syndrome. Last evaluated: 2021-11-24. Review status: criteria provided, single submitter. Criteria: ACMG Guidelines, 2015. Collection method: clinical testing. Allele origin: germline. Affected: yes. Observed: 1 variant allele.
Comment: ACMG criteria applied: PM2_SUP, BP4

NM_002691.4(POLD1):c.506A>T (p.Asn169Ile)

Gene: POLD1 (DNA polymerase delta 1, catalytic subunit; plus strand). Cytogenetic location: 19q13.33.
Variant type: single nucleotide variant.
Coding change: c.506A>T on transcript NM_002691.4 (MANE Select); coding-DNA position 506, A replaced by T.
Protein change: p.Asn169Ile; replaces asparagine 169 with isoleucine.
Molecular consequence: missense variant. On other transcripts: non-coding transcript variant (1).
Genome position (GRCh38, 1-based): chr19:50,402,041, A>T. VCF-style: chr19-50402041-A-T. GRCh37 (hg19) VCF-style: chr19-50905298-A-T.
Other names: c.506A>T, p.Asn169Ile (NM_001256849.1, NM_001308632.1); short protein forms N169I.
Identifiers: ClinVar variation 1709988 (VCV001709988.2), dbSNP rs781721165, ClinGen allele CA406973072.